The following is an entry in ClinVar:

NM_012301.4(MAGI2):c.3424-43T>C

Gene: MAGI2 (membrane associated guanylate kinase, WW and PDZ domain containing 2; minus strand). Cytogenetic location: 7q21.11.
Variant type: single nucleotide variant.
Coding change: c.3424-43T>C on transcript NM_012301.4 (MANE Select); 43 bases into the intron before coding-DNA position 3424, T replaced by C.
Molecular consequence: intron variant.
Genome position (GRCh38, 1-based): chr7:78,125,880, A>G on the plus strand (T>C on the coding strand, the complement: MAGI2 is on the minus strand). VCF-style: chr7-78125880-A-G. GRCh37 (hg19) VCF-style: chr7-77755197-A-G.
Other names: c.3382-43T>C (NM_001301128.2).
Identifiers: ClinVar variation 1280885 (VCV001280885.4), dbSNP rs2023946, ClinGen allele CA4313508.

ClinVar aggregate classification (germline): Benign. Review status: criteria provided, multiple submitters, no conflicts (2 of 4 stars). 3 submissions from 3 submitters: Benign (3). Last evaluated 2024-07-15.

Allele frequency attached by ClinVar (database versions not stated): ESP Exome Variant Server 0.21681; gnomAD 0.22227 and 0.22294; 1000 Genomes Project 0.22284; 1000 Genomes Project 30x 0.22345; TOPMed 0.22562; ExAC 0.23081; gnomAD exomes 0.23432 and 0.23447.
gnomAD v4.1: 370,596 of 1,589,500 alleles (23%); highest among the groups gnomAD compares: Admixed American, 29%; 43,631 homozygotes.

Submissions (3):

Unidad de Genómica Garrahan, Hospital de Pediatría Garrahan
Classification: Benign. Last evaluated: 2024-07-15. Review status: criteria provided, single submitter. Criteria: ACMG Guidelines, 2015. Collection method: clinical testing. Allele origin: germline. Affected: no. Observed: 39 variant alleles.
Comment: This variant is classified as Benign based on local population frequency. This variant was detected in 42% of patients studied in a panel designed for Epileptic and Developmental Encephalopathy and Progressive Myoclonus Epilepsy. Number of patients: 39. Only high quality variants are reported.

GeneDx
Classification: Benign. Last evaluated: 2019-12-29. Review status: criteria provided, single submitter. Criteria: GeneDx Variant Classification Process June 2021. Collection method: clinical testing. Allele origin: germline. Affected: yes.

Breakthrough Genomics
Classification: Benign. Review status: criteria provided, single submitter. Criteria: ACMG Guidelines, 2015. Collection method: not provided. Allele origin: germline. Inheritance: Autosomal recessive inheritance. Affected: yes.